The following is an entry in ClinVar:

NM_176787.5(PIGN):c.1790T>C (p.Phe597Ser)

Genes: PIGN (phosphatidylinositol glycan anchor biosynthesis class N; minus strand), LOC132090497 (Neanderthal introgressed variant-containing enhancer experimental_48690; plus strand). Cytogenetic location: 18q21.33.
Variant type: single nucleotide variant.
Coding change: c.1790T>C on transcript NM_176787.5 (MANE Select); coding-DNA position 1790, T replaced by C.
Protein change: p.Phe597Ser; replaces phenylalanine 597 with serine.
Molecular consequence: missense variant.
Genome position (GRCh38, 1-based): chr18:62,105,612, A>G on the plus strand (T>C on the coding strand, the complement: PIGN is on the minus strand). VCF-style: chr18-62105612-A-G. GRCh37 (hg19) VCF-style: chr18-59772845-A-G.
Other names: c.1790T>C, p.Phe597Ser (NM_012327.6); short protein forms F597S.
Identifiers: ClinVar variation 643181 (VCV000643181.10), dbSNP rs977051380, ClinGen allele CA301704824.

ClinVar aggregate classification (germline): Uncertain significance. Review status: criteria provided, multiple submitters, no conflicts (2 of 4 stars). 2 submissions from 2 submitters: Uncertain significance (2). Last evaluated 2025-03-20.

Conditions:
Multiple congenital anomalies-hypotonia-seizures syndrome 1 (MCAHS1). Also called: PIGN-CDG; Congenital disorder of glycosylation due to PIGN deficiency; GLYCOSYLPHOSPHATIDYLINOSITOL BIOSYNTHESIS DEFECT 3. Identifiers: Orphanet 280633, MedGen C3279775, MONDO:0013563, OMIM 614080.

Allele frequency attached by ClinVar (database versions not stated): gnomAD 0.00005 and 0.00007; TOPMed 0.00009; gnomAD exomes below 0.00001 and 0.00001.
gnomAD v4.1: 15 of 1,552,512 alleles (0.00097%); highest among the groups gnomAD compares: African/African-American, 0.015%; no homozygotes.

Submissions (2):

GeneDx
Classification: Uncertain significance. Last evaluated: 2025-03-20. Review status: criteria provided, single submitter. Criteria: GeneDx Variant Classification Process June 2021. Collection method: clinical testing. Allele origin: germline. Affected: yes.
Comment: Not observed at significant frequency in large population cohorts (gnomAD); In silico analysis indicates that this missense variant does not alter protein structure/function; Has not been previously published as pathogenic or benign to our knowledge

Labcorp Genetics (formerly Invitae), Labcorp
Classification: Uncertain significance for Multiple congenital anomalies-hypotonia-seizures syndrome 1. Last evaluated: 2024-08-13. Review status: criteria provided, single submitter. Criteria: Invitae Variant Classification Sherloc (09022015). Collection method: clinical testing. Allele origin: germline.
Comment: This sequence change replaces phenylalanine, which is neutral and non-polar, with serine, which is neutral and polar, at codon 597 of the PIGN protein (p.Phe597Ser). This variant is present in population databases (no rsID available, gnomAD 0.006%). This variant has not been reported in the literature in individuals affected with PIGN-related conditions. ClinVar contains an entry for this variant (Variation ID: 643181). Advanced modeling of protein sequence and biophysical properties (such as structural, functional, and spatial information, amino acid conservation, physicochemical variation, residue mobility, and thermodynamic stability) performed at Invitae indicates that this missense variant is not expected to disrupt PIGN protein function with a negative predictive value of 80%. In summary, the available evidence is currently insufficient to determine the role of this variant in disease. Therefore, it has been classified as a Variant of Uncertain Significance.